The following is an entry in ClinVar:

ClinVar aggregate classification (germline): Uncertain significance. Review status: criteria provided, multiple submitters, no conflicts (2 of 4 stars). 2 submissions from 2 submitters: Uncertain significance (2). Last evaluated 2025-12-01.

Conditions:
CEP164-related disorder. Also called: CEP164-related condition.
Nephronophthisis 15 (NPHP15). Identifiers: Orphanet 3156, MedGen C3541853, MONDO:0013917, OMIM 614845.

Allele frequency attached by ClinVar (database versions not stated): gnomAD exomes below 0.00001; TOPMed below 0.00001; ESP Exome Variant Server 0.00008.
gnomAD v4.1: 1 of 1,609,266 alleles (0.000062%); highest among the groups gnomAD compares: Non-Finnish European, 0.000085%; no homozygotes.

Submissions (2):

PreventionGenetics, part of Exact Sciences
Classification: Uncertain significance for CEP164-related condition. Last evaluated: 2025-12-01. Review status: criteria provided, single submitter. Criteria: ACMG Guidelines, 2015. Collection method: clinical testing. Allele origin: germline.
Comment: The CEP164 c.1136G>A variant is predicted to result in the amino acid substitution p.Ser379Asn. To our knowledge, this variant has not been reported in the literature or in a large population database (gnomAD), indicating this variant is rare. At this time, the clinical significance of this variant is uncertain due to the absence of conclusive functional and genetic evidence.

Labcorp Genetics (formerly Invitae), Labcorp
Classification: Uncertain significance for Nephronophthisis 15. Last evaluated: 2024-08-31. Review status: criteria provided, single submitter. Criteria: Invitae Variant Classification Sherloc (09022015). Collection method: clinical testing. Allele origin: germline.
Comment: This sequence change replaces serine, which is neutral and polar, with asparagine, which is neutral and polar, at codon 379 of the CEP164 protein (p.Ser379Asn). This variant is not present in population databases (gnomAD no frequency). This variant has not been reported in the literature in individuals affected with CEP164-related conditions. ClinVar contains an entry for this variant (Variation ID: 961321). An algorithm developed to predict the effect of missense changes on protein structure and function (PolyPhen-2) suggests that this variant is likely to be tolerated. In summary, the available evidence is currently insufficient to determine the role of this variant in disease. Therefore, it has been classified as a Variant of Uncertain Significance.

NM_014956.5(CEP164):c.1136G>A (p.Ser379Asn)

Gene: CEP164 (centrosomal protein 164; plus strand). Cytogenetic location: 11q23.3.
Variant type: single nucleotide variant.
Coding change: c.1136G>A on transcript NM_014956.5 (MANE Select); coding-DNA position 1136, G replaced by A.
Protein change: p.Ser379Asn; replaces serine 379 with asparagine.
Molecular consequence: missense variant.
Genome position (GRCh38, 1-based): chr11:117,371,450, G>A. VCF-style: chr11-117371450-G-A. GRCh37 (hg19) VCF-style: chr11-117242166-G-A.
Other names: c.1136G>A, p.Ser379Asn (NM_001271933.2); short protein forms S379N.
Identifiers: ClinVar variation 961321 (VCV000961321.10), dbSNP rs374832717, ClinGen allele CA229391489.